The following is an entry in ClinVar:

ClinVar aggregate classification (germline): Uncertain significance. Review status: criteria provided, multiple submitters, no conflicts (2 of 4 stars). 2 submissions from 2 submitters: Uncertain significance (2). Last evaluated 2022-07-26.

Allele frequency attached by ClinVar (database versions not stated): gnomAD exomes 0.00002 and 0.00010; TOPMed 0.00005; ExAC 0.00007.
gnomAD v4.1: 30 of 1,613,218 alleles (0.0019%); highest among the groups gnomAD compares: Admixed American, 0.048%; no homozygotes.

Submissions (2):

Labcorp Genetics (formerly Invitae), Labcorp
Classification: Uncertain significance. Last evaluated: 2022-07-26. Review status: criteria provided, single submitter. Criteria: Invitae Variant Classification Sherloc (09022015). Collection method: clinical testing. Allele origin: germline.
Comment: This sequence change replaces tyrosine, which is neutral and polar, with cysteine, which is neutral and slightly polar, at codon 720 of the RUSC2 protein (p.Tyr720Cys). This variant is present in population databases (rs749227407, gnomAD 0.08%). This variant has not been reported in the literature in individuals affected with RUSC2-related conditions. ClinVar contains an entry for this variant (Variation ID: 1370886). Algorithms developed to predict the effect of missense changes on protein structure and function are either unavailable or do not agree on the potential impact of this missense change (SIFT: "Deleterious"; PolyPhen-2: "Probably Damaging"; Align-GVGD: "Class C15"). In summary, the available evidence is currently insufficient to determine the role of this variant in disease. Therefore, it has been classified as a Variant of Uncertain Significance.

Ambry Genetics
Classification: Uncertain significance. Last evaluated: 2021-07-09. Review status: criteria provided, single submitter. Criteria: Ambry Variant Classification Scheme 2023. Collection method: clinical testing. Allele origin: germline.

NM_014806.5(RUSC2):c.2159A>G (p.Tyr720Cys)

Gene: RUSC2 (RUN and SH3 domain containing 2; plus strand). Cytogenetic location: 9p13.3.
Variant type: single nucleotide variant.
Coding change: c.2159A>G on transcript NM_014806.5 (MANE Select); coding-DNA position 2159, A replaced by G.
Protein change: p.Tyr720Cys; replaces tyrosine 720 with cysteine.
Molecular consequence: missense variant. On other transcripts: 5 prime UTR variant (1), non-coding transcript variant (1).
Genome position (GRCh38, 1-based): chr9:35,555,204, A>G. VCF-style: chr9-35555204-A-G. GRCh37 (hg19) VCF-style: chr9-35555201-A-G.
Other names: c.2159A>G, p.Tyr720Cys (NM_001135999.2); c.-476A>G (NM_001330740.2); c.2159A>G (NM_001135999.1); short protein forms Y720C.
Identifiers: ClinVar variation 1370886 (VCV001370886.4), dbSNP rs749227407, ClinGen allele CA5043813.